The following is an entry in ClinVar:

ClinVar aggregate classification (germline): Uncertain significance (1 of 4 stars; one submission).

Conditions:
Autosomal recessive limb-girdle muscular dystrophy type 2O. Also called: Limb-Girdle Muscular Dystrophy Type 3C; MUSCULAR DYSTROPHY-DYSTROGLYCANOPATHY (LIMB-GIRDLE), TYPE C, 3; MUSCULAR DYSTROPHY-DYSTROGLYCANOPATHY, LIMB-GIRDLE, POMGNT1-RELATED. Identifiers: Orphanet 206564, MedGen C3150417, MONDO:0013161, OMIM 613157.
Muscular dystrophy-dystroglycanopathy (congenital with impaired intellectual development), type B, 3. Also called: Muscular dystrophy-dystroglycanopathy (congenital with intellectual disability), type B3; MUSCULAR DYSTROPHY, CONGENITAL, POMGNT1-RELATED. Identifiers: MedGen C3150412, MONDO:0013155, OMIM 613151.

Allele frequency attached by ClinVar (database versions not stated): gnomAD exomes below 0.00001.
gnomAD v4.1: 1 of 1,614,116 alleles (0.000062%); highest among the groups gnomAD compares: South Asian, 0.0011%; no homozygotes.

Submission:

Labcorp Genetics (formerly Invitae), Labcorp
Classification: Uncertain significance for Autosomal recessive limb-girdle muscular dystrophy type 2O; Muscular dystrophy-dystroglycanopathy (congenital with impaired intellectual development), type B, 3. Last evaluated: 2022-02-26. Review status: criteria provided, single submitter. Criteria: Invitae Variant Classification Sherloc (09022015). Collection method: clinical testing. Allele origin: germline.
Comment: This sequence change replaces lysine, which is basic and polar, with glutamic acid, which is acidic and polar, at codon 146 of the POMGNT1 protein (p.Lys146Glu). This variant is not present in population databases (gnomAD no frequency). This variant has not been reported in the literature in individuals affected with POMGNT1-related conditions. Advanced modeling of protein sequence and biophysical properties (such as structural, functional, and spatial information, amino acid conservation, physicochemical variation, residue mobility, and thermodynamic stability) performed at Invitae indicates that this missense variant is not expected to disrupt POMGNT1 protein function. In summary, the available evidence is currently insufficient to determine the role of this variant in disease. Therefore, it has been classified as a Variant of Uncertain Significance.

NM_017739.4(POMGNT1):c.436A>G (p.Lys146Glu)

Genes: POMGNT1 (protein O-linked mannose N-acetylglucosaminyltransferase 1 (beta 1,2-); minus strand), TSPAN1 (tetraspanin 1; plus strand). Cytogenetic location: 1p34.1.
Variant type: single nucleotide variant.
Coding change: c.436A>G on transcript NM_017739.4 (MANE Select); coding-DNA position 436, A replaced by G.
Protein change: p.Lys146Glu; replaces lysine 146 with glutamic acid.
Molecular consequence: missense variant.
Genome position (GRCh38, 1-based): chr1:46,195,909, T>C on the plus strand (A>G on the coding strand, the complement: POMGNT1 is on the minus strand). VCF-style: chr1-46195909-T-C. GRCh37 (hg19) VCF-style: chr1-46661581-T-C.
Other names: c.436A>G, p.Lys146Glu (NM_001243766.2, NM_001410783.1); c.370A>G, p.Lys124Glu (NM_001290129.3); c.7A>G, p.Lys3Glu (NM_001290130.2); short protein forms K124E, K3E, K146E.
Identifiers: ClinVar variation 2191357 (VCV002191357.1), dbSNP rs878863828, ClinGen allele CA21917625.
Genomic context (GRCh38, chr1:46,195,909, plus strand): 5'-TGTTGAGGAATAGCACCATGGCCTCATCCTCATGAGGTGAGTACGTGTCAAACACACGTT[T>C]TGCCATCACGTGGCCCTGGCAGGGGATATACTTCTGGTGAGTTGGTGTCATCAGCAAGAG-3'
Protein context (NP_060209.4, residues 136-156): LNQATGHVMA[Lys146Glu]RVFDTYSPHE